The following is an entry in ClinVar:

NM_000051.4(ATM):c.2593_2594insCT (p.Ser865fs)

Gene: ATM (ATM serine/threonine kinase; plus strand). Cytogenetic location: 11q22.3.
Variant type: Insertion.
Coding change: c.2593_2594insCT on transcript NM_000051.4 (MANE Select); coding-DNA positions 2593 to 2594, CT inserted.
Protein change: p.Ser865fs; shifts the reading frame from serine 865.
Molecular consequence: frameshift variant.
Genome position: GRCh38 VCF-style: chr11-108267297-A-ACT. GRCh37 (hg19) VCF-style: chr11-108138024-A-ACT.
Other names: c.2593_2594insCT, p.Ser865fs (NM_001351834.2); short protein forms S865fs.
Identifiers: ClinVar variation 5040386 (VCV005040386.1).
Genomic context (GRCh38, chr11:108,267,297, plus strand): 5'-AATCTAATGGAGGTGGAGGATCAGTCATCCATGAATCTATTTAACGATTACCCTGATAGT[A>ACT]GTGTTAGTGATGCAAACGAACCTGGAGAGAGCCAAAGTACCATAGGTAAATACATATTTA-3'

ClinVar aggregate classification (germline): Pathogenic (1 of 4 stars; one submission).

Submission:

CeGaT Center for Human Genetics Tuebingen
Classification: Pathogenic. Last evaluated: 2026-07-01. Review status: criteria provided, single submitter. Criteria: CeGaT Center For Human Genetics Tuebingen Variant Classification Criteria Version 2. Collection method: clinical testing. Allele origin: germline. Affected: yes. Observed: 1 variant allele.
Comment: ATM: PVS1, PM2